The following is an entry in ClinVar:

ClinVar aggregate classification (germline): Uncertain significance. Review status: criteria provided, multiple submitters, no conflicts (2 of 4 stars). 2 submissions from 2 submitters: Uncertain significance (2). Last evaluated 2025-05-09.

Conditions:
Familial cancer of breast. Also called: hereditary breast carcinoma; Hereditary breast cancer; BREAST CANCER, FAMILIAL. Identifiers: Orphanet 227535, MedGen C0346153, MONDO:0016419, OMIM 114480. Disease mechanism: loss of function.
Hereditary cancer-predisposing syndrome. Also called: Hereditary Cancer Syndrome; Tumor predisposition; Hereditary neoplastic syndrome; Neoplastic Syndromes, Hereditary. Identifiers: Orphanet 140162, MedGen C0027672, MeSH D009386, MONDO:0015356.

Submissions (2):

Ambry Genetics
Classification: Uncertain significance for Hereditary cancer-predisposing syndrome. Last evaluated: 2025-05-09. Review status: criteria provided, single submitter. Criteria: Ambry Variant Classification Scheme 2023. Collection method: clinical testing. Allele origin: germline.
Comment: The p.S164G variant (also known as c.490A>G), located in coding exon 3 of the CHEK2 gene, results from an A to G substitution at nucleotide position 490. The serine at codon 164 is replaced by glycine, an amino acid with similar properties. This amino acid position is conserved. In addition, this alteration is predicted to be deleterious by in silico analysis. Based on the available evidence, the clinical significance of this variant remains unclear.

Labcorp Genetics (formerly Invitae), Labcorp
Classification: Uncertain significance for Familial cancer of breast. Last evaluated: 2023-09-03. Review status: criteria provided, single submitter. Criteria: Invitae Variant Classification Sherloc (09022015). Collection method: clinical testing. Allele origin: germline.
Comment: In summary, the available evidence is currently insufficient to determine the role of this variant in disease. Therefore, it has been classified as a Variant of Uncertain Significance. An algorithm developed to predict the effect of missense changes on protein structure and function (PolyPhen-2) suggests that this variant is likely to be disruptive. ClinVar contains an entry for this variant (Variation ID: 1410442). This variant has not been reported in the literature in individuals affected with CHEK2-related conditions. This variant is not present in population databases (gnomAD no frequency). This sequence change replaces serine, which is neutral and polar, with glycine, which is neutral and non-polar, at codon 164 of the CHEK2 protein (p.Ser164Gly).

NM_007194.4(CHEK2):c.490A>G (p.Ser164Gly)

Gene: CHEK2 (checkpoint kinase 2; minus strand). Cytogenetic location: 22q12.1.
Variant type: single nucleotide variant.
Coding change: c.490A>G on transcript NM_007194.4 (MANE Select); coding-DNA position 490, A replaced by G.
Protein change: p.Ser164Gly; replaces serine 164 with glycine.
Molecular consequence: missense variant. On other transcripts: 5 prime UTR variant (2), intron variant (1).
Genome position (GRCh38, 1-based): chr22:28,725,079, T>C on the plus strand (A>G on the coding strand, the complement: CHEK2 is on the minus strand). VCF-style: chr22-28725079-T-C. GRCh37 (hg19) VCF-style: chr22-29121067-T-C.
Other names: c.619A>G, p.Ser207Gly (NM_001005735.3, NM_001438294.1); c.-288A>G (NM_001257387.3); c.-174A>G (NM_001437942.1); c.583A>G, p.Ser195Gly (NM_001438293.1, NM_001438295.1); c.490A>G, p.Ser164Gly (NM_145862.3); c.445-156A>G (NM_001349956.3); short protein forms S164G, S207G, S195G.
Identifiers: ClinVar variation 1410442 (VCV001410442.8), dbSNP rs2053945090, ClinGen allele CA411107525.
Genomic context (GRCh38, chr22:28,725,079, plus strand): 5'-TCAAAGGACGGCGTTTTCCTTTCCCTACAAGCTCTGTATTTACAAAGGTTCCATTGCCAC[T>C]GTGATCTTCTATGTATGCAATGTAAGAGTTTTTAGGACCCACTTCCTAAAATAGAGAACA-3'
Protein context (NP_009125.1, residues 154-174): NSYIAYIEDH[Ser164Gly]GNGTFVNTEL